The following is an entry in ClinVar:

NM_001379500.1(COL18A1):c.1923+9C>T

Gene: COL18A1 (collagen type XVIII alpha 1 chain; plus strand). Cytogenetic location: 21q22.3.
Variant type: single nucleotide variant.
Coding change: c.1923+9C>T on transcript NM_001379500.1 (MANE Select); 9 bases into the intron after coding-DNA position 1923, C replaced by T.
Molecular consequence: intron variant.
Genome position (GRCh38, 1-based): chr21:45,488,453, C>T. VCF-style: chr21-45488453-C-T. GRCh37 (hg19) VCF-style: chr21-46908367-C-T.
Other names: c.2463+9C>T (NM_030582.3, NM_030582.4); c.3168+9C>T (NM_130444.3).
Identifiers: ClinVar variation 1603444 (VCV001603444.9), dbSNP rs766323450, ClinGen allele CA10066661.

ClinVar aggregate classification (germline): Likely benign. Review status: criteria provided, multiple submitters, no conflicts (2 of 4 stars). 2 submissions from 2 submitters: Likely benign (2). Last evaluated 2025-05-19.

Conditions:
COL18A1-related disorder. Also called: COL18A1-related disorders; COL18A1-related condition.

Allele frequency attached by ClinVar (database versions not stated): gnomAD exomes 0.00002; ExAC 0.00006; gnomAD 0.00006 and 0.00007.
gnomAD v4.1: 39 of 1,613,788 alleles (0.0024%); highest among the groups gnomAD compares: Middle Eastern, 0.016%; no homozygotes.

Submissions (2):

Labcorp Genetics (formerly Invitae), Labcorp
Classification: Likely benign. Last evaluated: 2025-05-19. Review status: criteria provided, single submitter. Criteria: Invitae Variant Classification Sherloc (09022015). Collection method: clinical testing. Allele origin: germline.

PreventionGenetics, part of Exact Sciences
Classification: Likely benign for COL18A1-related condition. Last evaluated: 2025-05-16. Review status: criteria provided, single submitter. Criteria: ACMG Guidelines, 2015. Collection method: clinical testing. Allele origin: germline.
Comment: This variant is classified as likely benign based on ACMG/AMP sequence variant interpretation guidelines (Richards et al. 2015 PMID: 25741868, with internal and published modifications).